The following is an entry in ClinVar:

ClinVar aggregate classification (germline): Uncertain significance. Review status: criteria provided, multiple submitters, no conflicts (2 of 4 stars). 2 submissions from 2 submitters: Uncertain significance (2). Last evaluated 2022-09-05.

Allele frequency attached by ClinVar (database versions not stated): gnomAD exomes below 0.00001 and 0.00001.
gnomAD v4.1: 21 of 1,614,144 alleles (0.0013%); highest among the groups gnomAD compares: Non-Finnish European, 0.0017%; no homozygotes.

Submissions (2):

Labcorp Genetics (formerly Invitae), Labcorp
Classification: Uncertain significance. Last evaluated: 2022-09-05. Review status: criteria provided, single submitter. Criteria: Invitae Variant Classification Sherloc (09022015). Collection method: clinical testing. Allele origin: germline.
Comment: This variant is present in population databases (no rsID available, gnomAD 0.0009%). In summary, the available evidence is currently insufficient to determine the role of this variant in disease. Therefore, it has been classified as a Variant of Uncertain Significance. Algorithms developed to predict the effect of missense changes on protein structure and function output the following: SIFT: "Tolerated"; PolyPhen-2: "Benign"; Align-GVGD: "Class C0". The valine amino acid residue is found in multiple mammalian species, which suggests that this missense change does not adversely affect protein function. ClinVar contains an entry for this variant (Variation ID: 1687687). This variant has not been reported in the literature in individuals affected with AUTS2-related conditions. This sequence change replaces methionine, which is neutral and non-polar, with valine, which is neutral and non-polar, at codon 774 of the AUTS2 protein (p.Met774Val).

GeneDx
Classification: Uncertain significance. Last evaluated: 2021-11-24. Review status: criteria provided, single submitter. Criteria: GeneDx Variant Classification Process June 2021. Collection method: clinical testing. Allele origin: germline. Affected: yes.
Comment: Has not been previously published as pathogenic or benign to our knowledge; In silico analysis supports that this missense variant does not alter protein structure/function

NM_015570.4(AUTS2):c.2320A>G (p.Met774Val)

Gene: AUTS2 (activator of transcription and developmental regulator AUTS2; plus strand). Cytogenetic location: 7q11.22.
Variant type: single nucleotide variant.
Coding change: c.2320A>G on transcript NM_015570.4 (MANE Select); coding-DNA position 2320, A replaced by G.
Protein change: p.Met774Val; replaces methionine 774 with valine.
Molecular consequence: missense variant.
Genome position (GRCh38, 1-based): chr7:70,787,220, A>G. VCF-style: chr7-70787220-A-G. GRCh37 (hg19) VCF-style: chr7-70252206-A-G.
Other names: c.2248A>G, p.Met750Val (NM_001127231.3); short protein forms M750V, M774V.
Identifiers: ClinVar variation 1687687 (VCV001687687.7), dbSNP rs1158235085, ClinGen allele CA367663829.